The following is an entry in ClinVar:

NM_007294.4(BRCA1):c.3131T>G (p.Ile1044Ser)

Gene: BRCA1 (BRCA1 DNA repair associated; minus strand). Cytogenetic location: 17q21.31.
Variant type: single nucleotide variant.
Coding change: c.3131T>G on transcript NM_007294.4 (MANE Select); coding-DNA position 3131, T replaced by G.
Protein change: p.Ile1044Ser; replaces isoleucine 1044 with serine.
Molecular consequence: missense variant. On other transcripts: intron variant (137).
Genome position (GRCh38, 1-based): chr17:43,092,400, A>C on the plus strand (T>G on the coding strand, the complement: BRCA1 is on the minus strand). VCF-style: chr17-43092400-A-C. GRCh37 (hg19) VCF-style: chr17-41244417-A-C.
Other names: c.3008T>G, p.Ile1003Ser (NM_001407937.1, NM_001407938.1, NM_001407939.1 and 19 more transcripts); c.3005T>G, p.Ile1002Ser (NM_001407940.1, NM_001407941.1, NM_001407649.1 and 11 more transcripts); c.2795T>G, p.Ile932Ser (NM_001407956.1, NM_001407958.1, NM_001407954.1 and 1 more transcripts); c.2798T>G, p.Ile933Ser (NM_001407957.1, NM_001407946.1, NM_001407947.1 and 6 more transcripts); c.2750T>G, p.Ile917Ser (NM_001407959.1, NM_001407960.1, NM_001407963.1); c.2747T>G, p.Ile916Ser (NM_001407962.1); c.2990T>G, p.Ile997Ser (NM_001407942.1, NM_001407944.1, NM_001407945.1 and 29 more transcripts); c.2987T>G, p.Ile996Ser (NM_001407943.1, NM_001407740.1, NM_001407741.1 and 20 more transcripts); and 41 more; short protein forms I1044S, I997S, I876S, I917S, I973S, I976S, I996S, I1018S.
Identifiers: ClinVar variation 858473 (VCV000858473.13), dbSNP rs2053637993, ClinGen allele CA10595721.

ClinVar aggregate classification (germline): Conflicting classifications of pathogenicity. Review status: criteria provided, conflicting classifications (1 of 4 stars). 2 submissions from 2 submitters: Uncertain significance (1); Likely benign (1). Last evaluated 2023-03-23.

Conditions:
Hereditary breast ovarian cancer syndrome. Also called: Breast and ovarian cancer; BRCA1- and BRCA2-Associated Hereditary Breast and Ovarian Cancer; Hereditary breast and ovarian cancer; Hereditary breast and ovarian cancer syndrome (HBOC); Hereditary breast and/or ovarian cancer syndrome; Hereditary breast and ovarian cancer syndrome. Identifiers: Orphanet 145, MedGen C0677776, MeSH D061325, MONDO:0003582. Disease mechanism: loss of function.
Hereditary cancer-predisposing syndrome. Also called: Tumor predisposition; Hereditary neoplastic syndrome; Neoplastic Syndromes, Hereditary; Hereditary Cancer Syndrome. Identifiers: Orphanet 140162, MedGen C0027672, MeSH D009386, MONDO:0015356.

Submissions (2):

University of Washington Department of Laboratory Medicine, University of Washington
Classification: Likely benign for Hereditary cancer-predisposing syndrome. Last evaluated: 2023-03-23. Review status: criteria provided, single submitter. Criteria: Dines et al. (Genet Med. 2020). Collection method: curation. Allele origin: germline.
Comment: Missense variant in a coldspot region where missense variants are very unlikely to be pathogenic (PMID:31911673).

BRCA1 coldspot (exon 11 using historical exon numbering). Reclassification based on statistical prior probability

Labcorp Genetics (formerly Invitae), Labcorp
Classification: Uncertain significance for Hereditary breast ovarian cancer syndrome. Last evaluated: 2019-11-18. Review status: criteria provided, single submitter. Criteria: Invitae Variant Classification Sherloc (09022015). Collection method: clinical testing. Allele origin: germline.
Comment: In summary, the available evidence is currently insufficient to determine the role of this variant in disease. Therefore, it has been classified as a Variant of Uncertain Significance. Algorithms developed to predict the effect of missense changes on protein structure and function are either unavailable or do not agree on the potential impact of this missense change (SIFT: "Deleterious"; PolyPhen-2: "Benign"; Align-GVGD: "Class C0"). This variant has not been reported in the literature in individuals with BRCA1-related conditions. This variant is not present in population databases (ExAC no frequency). This sequence change replaces isoleucine with serine at codon 1044 of the BRCA1 protein (p.Ile1044Ser). The isoleucine residue is weakly conserved and there is a large physicochemical difference between isoleucine and serine.